The following is an entry in ClinVar:

ClinVar aggregate classification (germline): Pathogenic (1 of 4 stars; one submission).

Conditions:
Treacher Collins syndrome 1 (TCS1). Also called: TCOF1-Related Treacher Collins Syndrome. Identifiers: Orphanet 861, MedGen CN315775, MONDO:0007944, OMIM 154500.

Submission:

Labcorp Genetics (formerly Invitae), Labcorp
Classification: Pathogenic for Treacher Collins syndrome 1. Last evaluated: 2022-11-18. Review status: criteria provided, single submitter. Criteria: Invitae Variant Classification Sherloc (09022015). Collection method: clinical testing. Allele origin: germline.
Comment: This sequence change creates a premature translational stop signal (p.Thr1296Asnfs*13) in the TCOF1 gene. It is expected to result in an absent or disrupted protein product. Loss-of-function variants in TCOF1 are known to be pathogenic (PMID: 8894686, 22317976). For these reasons, this variant has been classified as Pathogenic. This variant has not been reported in the literature in individuals affected with TCOF1-related conditions. This variant is not present in population databases (gnomAD no frequency).

Literature cited by the submitters: PubMed 8894686; PubMed 22317976.

NM_001371623.1(TCOF1):c.3889dup (p.Thr1297fs)

Gene: TCOF1 (treacle ribosome biogenesis factor 1; plus strand). Cytogenetic location: 5q32.
Variant type: Duplication.
Coding change: c.3889dup on transcript NM_001371623.1 (MANE Select); coding-DNA position 3889, one base duplicated (A; older notation c.3889dupA).
Protein change: p.Thr1297fs; shifts the reading frame from threonine 1297.
Molecular consequence: frameshift variant.
Genome position (GRCh38, 1-based): chr5:150,396,386, A duplicated. VCF-style (leftmost placement, unchanged base first): chr5-150396385-C-CA. GRCh37 (hg19) VCF-style: chr5-149775948-C-CA.
Other names: c.3655dup, p.Thr1219fs (NM_000356.4); c.3886dup, p.Thr1296fs (NM_001135243.2); c.3775dup, p.Thr1259fs (NM_001135244.2); c.3658dup, p.Thr1220fs (NM_001135245.2); c.3772dup, p.Thr1258fs (NM_001195141.2); short protein forms T1296fs, T1219fs, T1258fs, T1259fs, T1220fs, T1297fs.
Identifiers: ClinVar variation 2815076 (VCV002815076.3), dbSNP rs2534526371, ClinGen allele CA2739272738.